The following is an entry in ClinVar:

ClinVar aggregate classification (germline): Uncertain significance (1 of 4 stars; one submission).

Conditions:
Autosomal recessive limb-girdle muscular dystrophy type 2J (LGMDR10). Also called: Limb-girdle muscular dystrophy, type 2J; MUSCULAR DYSTROPHY, LIMB-GIRDLE, AUTOSOMAL RECESSIVE 10. Identifiers: Orphanet 140922, MedGen C1837342, MONDO:0012127, OMIM 608807.
Dilated cardiomyopathy 1G (CMD1G). Identifiers: Orphanet 154, MedGen C1858763, MONDO:0011400, OMIM 604145.

Submission:

Labcorp Genetics (formerly Invitae), Labcorp
Classification: Uncertain significance for Dilated cardiomyopathy 1G; Autosomal recessive limb-girdle muscular dystrophy type 2J. Last evaluated: 2023-10-24. Review status: criteria provided, single submitter. Criteria: Invitae Variant Classification Sherloc (09022015). Collection method: clinical testing. Allele origin: unknown.
Comment: This variant results in a copy number gain of the genomic region encompassing exon(s) 304-326 of the TTN gene. While the exact position of this variant cannot be determined from the data, sub-genic copy number gains are generally in tandem (PMID: 25640679). This variant is predicted to be in-frame, and likely preserves the integrity of the reading frame. This variant has not been reported in the literature in individuals affected with TTN-related conditions. Experimental studies and prediction algorithms are not available or were not evaluated, and the functional significance of this variant is currently unknown. In summary, the available evidence is currently insufficient to determine the role of this variant in disease. Therefore, it has been classified as a Variant of Uncertain Significance.

Literature cited by the submitters: PubMed 25640679.

NC_000002.11:g.(?_179434909)_(179455669_?)dup

Gene: TTN (titin; minus strand). Cytogenetic location: 2q31.2.
Variant type: Duplication.
Identifiers: ClinVar variation 3247311 (VCV003247311.1).